The following is an entry in ClinVar:

NM_004211.5(SLC6A5):c.675G>C (p.Gly225=)

Gene: SLC6A5 (solute carrier family 6 member 5; plus strand). Cytogenetic location: 11p15.1.
Variant type: single nucleotide variant.
Coding change: c.675G>C on transcript NM_004211.5 (MANE Select); coding-DNA position 675, G replaced by C.
Protein change: p.Gly225=; no amino-acid change (glycine 225 retained).
Molecular consequence: synonymous variant. On other transcripts: intron variant (1).
Genome position (GRCh38, 1-based): chr11:20,604,420, G>C. VCF-style: chr11-20604420-G-C. GRCh37 (hg19) VCF-style: chr11-20625966-G-C.
Other names: c.-23-2587G>C (NM_001318369.2).
Identifiers: ClinVar variation 1914704 (VCV001914704.5), dbSNP rs778304622, ClinGen allele CA5921155.

ClinVar aggregate classification (germline): Uncertain significance (1 of 4 stars; one submission).

Conditions:
Hyperekplexia 3 (HKPX3). Also called: HYPEREKPLEXIA 3, AUTOSOMAL RECESSIVE; HYPEREKPLEXIA 3, AUTOSOMAL DOMINANT. Identifiers: Orphanet 3197, MedGen C3553288, MONDO:0013827, OMIM 614618.

Allele frequency attached by ClinVar (database versions not stated): gnomAD 0.00001; gnomAD exomes 0.00001; TOPMed 0.00002; ExAC 0.00005.
gnomAD v4.1: 20 of 1,613,654 alleles (0.0012%); highest among the groups gnomAD compares: Non-Finnish European, 0.0016%; no homozygotes.

Submission:

Labcorp Genetics (formerly Invitae), Labcorp
Classification: Uncertain significance for Hyperekplexia 3. Last evaluated: 2022-04-11. Review status: criteria provided, single submitter. Criteria: Invitae Variant Classification Sherloc (09022015). Collection method: clinical testing. Allele origin: germline.
Comment: In summary, the available evidence is currently insufficient to determine the role of this variant in disease. Therefore, it has been classified as a Variant of Uncertain Significance. This variant has not been reported in the literature in individuals affected with SLC6A5-related conditions. Algorithms developed to predict the effect of sequence changes on RNA splicing suggest that this variant may disrupt the consensus splice site. This sequence change affects codon 225 of the SLC6A5 mRNA. It is a 'silent' change, meaning that it does not change the encoded amino acid sequence of the SLC6A5 protein. This variant is present in population databases (rs778304622, gnomAD 0.005%).